The following is an entry in ClinVar:

NM_003091.4(SNRPB):c.127T>G (p.Cys43Gly)

Gene: SNRPB (small nuclear ribonucleoprotein polypeptides B and B1; minus strand). Cytogenetic location: 20p13.
Variant type: single nucleotide variant.
Coding change: c.127T>G on transcript NM_003091.4 (MANE Select); coding-DNA position 127, T replaced by G.
Protein change: p.Cys43Gly; replaces cysteine 43 with glycine.
Molecular consequence: missense variant.
Genome position (GRCh38, 1-based): chr20:2,467,635, A>C on the plus strand (T>G on the coding strand, the complement: SNRPB is on the minus strand). VCF-style: chr20-2467635-A-C. GRCh37 (hg19) VCF-style: chr20-2448281-A-C.
Other names: c.127T>G, p.Cys43Gly (NM_198216.2); short protein forms C43G.
Identifiers: ClinVar variation 5001946 (VCV005001946.1).

ClinVar aggregate classification (germline): Uncertain significance (1 of 4 stars; one submission).

Conditions:
SNRPB-related disorder. Also called: SNRPB-related condition.

Submission:

PreventionGenetics, part of Exact Sciences
Classification: Uncertain significance for SNRPB-related condition. Last evaluated: 2025-05-16. Review status: criteria provided, single submitter. Criteria: ACMG Guidelines, 2015. Collection method: clinical testing. Allele origin: germline.
Comment: The SNRPB c.127T>G variant is predicted to result in the amino acid substitution p.Cys43Gly. To our knowledge, this variant has not been reported in the literature or in a large population database (gnomAD), indicating this variant is rare. At this time, the clinical significance of this variant is uncertain due to the absence of conclusive functional and genetic evidence.